The following is an entry in ClinVar:

ClinVar aggregate classification (germline): Pathogenic. Review status: criteria provided, multiple submitters, no conflicts (2 of 4 stars). 2 submissions from 2 submitters: Pathogenic (2). Last evaluated 2025-07-16.

Conditions:
Osteogenesis imperfecta with normal sclerae, dominant form (OI4). Also called: OSTEOGENESIS IMPERFECTA, TYPE IV, WITH DENTINOGENESIS IMPERFECTA; Osteogenesis Imperfecta Type IV; Common Variable Osteogenesis Imperfecta with Normal Sclerae; OSTEOGENESIS IMPERFECTA WITH NORMAL SCLERAE; Osteogenesis imperfecta type 4. Identifiers: Orphanet 216820, Orphanet 666, MedGen C0268363, MONDO:0008148, OMIM 166220.

Submissions (2):

Clinical Biomedical Laboratory, Shriners Hospital For Children - Canada
Classification: Pathogenic for Osteogenesis imperfecta with normal sclerae, dominant form. Last evaluated: 2025-07-16. Review status: criteria provided, single submitter. Criteria: ACMG Guidelines, 2015. Collection method: clinical testing. Allele origin: germline. Affected: yes.
Comment: This variant is predicted to substitute a glycine residue by a serine residue in the alpha 2 chain of collagen type I. Glycine substitutions in the triple helical domain of collagen type I cause disruption in the formation of the triple helix in the collagen molecule and are a typical cause of osteogenesis imperfecta. This variant is absent from the Genome Aggregation Database v.2.1.1, indicating it is very rare. This variant has been reported in the literature (PMID: 29150909). Prediction tools (REVEL: 0.96) suggest that the change is detrimental to protein function.

Athena Diagnostics
Classification: Pathogenic. Last evaluated: 2018-06-25. Review status: criteria provided, single submitter. Criteria: Athena Diagnostics Criteria. Collection method: clinical testing. Allele origin: germline.

Literature cited by the submitters: PubMed 29150909 (cited by Clinical Biomedical Laboratory, Shriners Hospital For Children - Canada and Athena Diagnostics).

NM_000089.4(COL1A2):c.1991G>T (p.Gly664Val)

Gene: COL1A2 (collagen type I alpha 2 chain; plus strand). Cytogenetic location: 7q21.3.
Variant type: single nucleotide variant.
Coding change: c.1991G>T on transcript NM_000089.4 (MANE Select); coding-DNA position 1991, G replaced by T.
Protein change: p.Gly664Val; replaces glycine 664 with valine.
Molecular consequence: missense variant.
Genome position (GRCh38, 1-based): chr7:94,418,518, G>T. VCF-style: chr7-94418518-G-T. GRCh37 (hg19) VCF-style: chr7-94047830-G-T.
Other names: short protein forms G664V.
Identifiers: ClinVar variation 585498 (VCV000585498.2), dbSNP rs72658154, ClinGen allele CA368223021.
Genomic context (GRCh38, chr7:94,418,518, plus strand): 5'-TGGTCAGAAAACAAAAAGTTGCTCTTGCTTTATACTTTCAGGGTGAACCTGGTCTCAGAG[G>T]TGAAATTGGTAACCCTGGCAGAGATGGTGCTCGTGTGAGTAGAATTTTGTTTGTATGTTT-3'
Protein context (NP_000080.2, residues 654-674): KGEKGEPGLR[Gly664Val]EIGNPGRDGA